The following is an entry in ClinVar:

NM_002691.4(POLD1):c.1955G>T (p.Arg652Leu)

Gene: POLD1 (DNA polymerase delta 1, catalytic subunit; plus strand). Cytogenetic location: 19q13.33.
Variant type: single nucleotide variant.
Coding change: c.1955G>T on transcript NM_002691.4 (MANE Select); coding-DNA position 1955, G replaced by T.
Protein change: p.Arg652Leu; replaces arginine 652 with leucine.
Molecular consequence: missense variant. On other transcripts: non-coding transcript variant (1).
Genome position (GRCh38, 1-based): chr19:50,409,184, G>T. VCF-style: chr19-50409184-G-T. GRCh37 (hg19) VCF-style: chr19-50912441-G-T.
Other names: c.1955G>T, p.Arg652Leu (NM_001256849.1); c.2033G>T, p.Arg678Leu (NM_001308632.1); short protein forms R652L, R678L.
Identifiers: ClinVar variation 2113148 (VCV002113148.4), dbSNP rs778037523, ClinGen allele CA406982315.

ClinVar aggregate classification (germline): Uncertain significance (1 of 4 stars; one submission).

Conditions:
POLD1-related polyposis and colorectal cancer syndrome (CRCS10). Also called: Colorectal cancer 10; COLORECTAL CANCER, SUSCEPTIBILITY TO, ON CHROMOSOME 19q; Colorectal cancer, susceptibility to, 10. Identifiers: Orphanet 220460, MedGen C2675481, MONDO:0012953, OMIM 612591.

Submission:

Labcorp Genetics (formerly Invitae), Labcorp
Classification: Uncertain significance for POLD1-related polyposis and colorectal cancer syndrome. Last evaluated: 2023-09-11. Review status: criteria provided, single submitter. Criteria: Invitae Variant Classification Sherloc (09022015). Collection method: clinical testing. Allele origin: germline.
Comment: ClinVar contains an entry for this variant (Variation ID: 2113148). This variant has not been reported in the literature in individuals affected with POLD1-related conditions. This variant is not present in population databases (gnomAD no frequency). This sequence change replaces arginine, which is basic and polar, with leucine, which is neutral and non-polar, at codon 652 of the POLD1 protein (p.Arg652Leu). Advanced modeling of protein sequence and biophysical properties (such as structural, functional, and spatial information, amino acid conservation, physicochemical variation, residue mobility, and thermodynamic stability) performed at Invitae indicates that this missense variant is not expected to disrupt POLD1 protein function. In summary, the available evidence is currently insufficient to determine the role of this variant in disease. Therefore, it has been classified as a Variant of Uncertain Significance.